The following is an entry in ClinVar:

NM_002224.4(ITPR3):c.2136C>A (p.Ala712=)

Gene: ITPR3 (inositol 1,4,5-trisphosphate receptor type 3; plus strand). Cytogenetic location: 6p21.31.
Variant type: single nucleotide variant.
Coding change: c.2136C>A on transcript NM_002224.4 (MANE Select); coding-DNA position 2136, C replaced by A.
Protein change: p.Ala712=; no amino-acid change (alanine 712 retained).
Molecular consequence: synonymous variant.
Genome position (GRCh38, 1-based): chr6:33,669,103, C>A. VCF-style: chr6-33669103-C-A. GRCh37 (hg19) VCF-style: chr6-33636880-C-A.
Identifiers: ClinVar variation 4533580 (VCV004533580.6).

ClinVar aggregate classification (germline): Likely benign (1 of 4 stars; one submission).

gnomAD v4.1: 202 of 1,614,128 alleles (0.013%); highest among the groups gnomAD compares: Non-Finnish European, 0.016%; 1 homozygote.

Submission:

CeGaT Center for Human Genetics Tuebingen
Classification: Likely benign. Last evaluated: 2025-10-01. Review status: criteria provided, single submitter. Criteria: CeGaT Center For Human Genetics Tuebingen Variant Classification Criteria Version 2. Collection method: clinical testing. Allele origin: germline. Affected: yes. Observed: 1 variant allele.
Comment: ITPR3: BP4, BP7